The following is an entry in ClinVar:

ClinVar aggregate classification (germline): Uncertain significance. Review status: criteria provided, single submitter (1 of 4 stars). 2 submissions from 2 submitters: Uncertain significance (1). 1 of the submissions does not count toward it. Last evaluated 2021-09-01.

Conditions:
Primary ciliary dyskinesia. Also called: Ciliary dyskinesia. Identifiers: Orphanet 244, MedGen C0008780, MONDO:0016575, HP:0012265.

Submissions (2):

Labcorp Genetics (formerly Invitae), Labcorp
Classification: Uncertain significance for Primary ciliary dyskinesia. Last evaluated: 2021-09-01. Review status: criteria provided, single submitter. Criteria: Invitae Variant Classification Sherloc (09022015). Collection method: clinical testing. Allele origin: germline.
Comment: This variant, c.2756_2758del, results in the deletion of 1 amino acid(s) of the DNAH5 protein (p.Glu919del), but otherwise preserves the integrity of the reading frame. This variant is present in population databases (rs762827509, ExAC 0.005%). This variant has not been reported in the literature in individuals affected with DNAH5-related conditions. Experimental studies and prediction algorithms are not available or were not evaluated, and the functional significance of this variant is currently unknown. In summary, the available evidence is currently insufficient to determine the role of this variant in disease. Therefore, it has been classified as a Variant of Uncertain Significance.

Natera, Inc.
Classification: Uncertain significance for Primary ciliary dyskinesia. Last evaluated: 2019-10-28. Review status: no assertion criteria provided. Collection method: clinical testing. Allele origin: germline. Not counted in ClinVar's aggregate classification.

NM_001369.3(DNAH5):c.2753AAG[1] (p.Glu919del)

Genes: DNAH5 (dynein axonemal heavy chain 5; minus strand), DNAH5-AS1 (DNAH5 antisense RNA 1; plus strand). Cytogenetic location: 5p15.2.
Variant type: Microsatellite.
Coding change: c.2753AAG[1] on transcript NM_001369.3 (MANE Select); one copy of the 3-base unit AAG starting at c.2753; the reference has two copies in a row; one copy, 3 bases deleted; also written c.2756_2758del.
Protein change: p.Glu919del; deletes glutamic acid 919.
Molecular consequence: inframe deletion.
Genome position (GRCh38, 1-based): chr5:13,885,214-13,885,216, CTT deleted on the plus strand (AAG on the coding strand, the reverse complement: DNAH5 is on the minus strand); deleting any 3 consecutive bases within chr5:13,885,214-13,885,221 gives the same sequence; the position shown is the placement nearest the transcript's 3' end. VCF-style (leftmost placement, unchanged base first): chr5-13885213-CCTT-C. GRCh37 (hg19) VCF-style: chr5-13885322-CCTT-C.
Other names: c.2756_2758delAAG (NM_001369.2); c.2756_2758del (NM_001369.3); short protein forms E919del.
Identifiers: ClinVar variation 574288 (VCV000574288.7), dbSNP rs762827509, ClinGen allele CA3204486.